The following is an entry in ClinVar:

NM_001723.7(DST):c.5942A>G (p.Glu1981Gly)

Gene: DST (dystonin; minus strand). Cytogenetic location: 6p12.1.
Variant type: single nucleotide variant.
Coding change: c.5942A>G on transcript NM_001723.7 (MANE Plus Clinical); coding-DNA position 5942, A replaced by G.
Protein change: p.Glu1981Gly; replaces glutamic acid 1981 with glycine.
Molecular consequence: missense variant. On other transcripts: intron variant (10).
Genome position (GRCh38, 1-based): chr6:56,618,092, T>C on the plus strand (A>G on the coding strand, the complement: DST is on the minus strand). VCF-style: chr6-56618092-T-C. GRCh37 (hg19) VCF-style: chr6-56482890-T-C.
Other names: c.4831-3608A>G (NM_001144769.5); c.4930-3608A>G (NM_001374722.1, NM_001374736.1); c.4957-3608A>G (NM_001374734.1); c.4417-3608A>G (NM_001144770.2); c.4297-3608A>G (NM_001374730.1, NM_001386100.1, NM_183380.4 and 1 more transcripts); c.3319-3608A>G (NM_015548.5); short protein forms E1981G.
Identifiers: ClinVar variation 1404119 (VCV001404119.6), dbSNP rs372095738, ClinGen allele CA3870275.

ClinVar aggregate classification (germline): Uncertain significance (1 of 4 stars; one submission).

Conditions:
Epidermolysis bullosa simplex 3, localized or generalized intermediate, with BP230 deficiency (EBS3). Also called: Epidermolysis bullosa simplex, autosomal recessive 2; Epidermolysis bullosa simplex due to BP230 deficiency. Identifiers: Orphanet 412181, MedGen C3809470, MONDO:0014180, OMIM 615425.
Hereditary sensory and autonomic neuropathy type 6. Also called: HSAN VI; Neuropathy, hereditary sensory and autonomic, type VI. Identifiers: Orphanet 314381, MedGen C3539003, MONDO:0013839, OMIM 614653.

Allele frequency attached by ClinVar (database versions not stated): gnomAD exomes below 0.00001 and 0.00001; gnomAD 0.00001 and 0.00002; ExAC 0.00002; TOPMed 0.00002; ESP Exome Variant Server 0.00008.
gnomAD v4.1: 12 of 1,614,176 alleles (0.00074%); highest among the groups gnomAD compares: Middle Eastern, 0.016%; no homozygotes.

Submission:

Labcorp Genetics (formerly Invitae), Labcorp
Classification: Uncertain significance for Epidermolysis bullosa simplex 3, localized or generalized intermediate, with BP230 deficiency; Hereditary sensory and autonomic neuropathy type 6. Last evaluated: 2021-01-28. Review status: criteria provided, single submitter. Criteria: Invitae Variant Classification Sherloc (09022015). Collection method: clinical testing. Allele origin: germline.
Comment: In summary, the available evidence is currently insufficient to determine the role of this variant in disease. Therefore, it has been classified as a Variant of Uncertain Significance. Algorithms developed to predict the effect of missense changes on protein structure and function are either unavailable or do not agree on the potential impact of this missense change (SIFT: "Deleterious"; PolyPhen-2: "Benign"; Align-GVGD: "Class C15"). This variant has not been reported in the literature in individuals with DST-related conditions. This variant is present in population databases (rs372095738, ExAC 0.02%). This sequence change replaces glutamic acid with glycine at codon 1981 of the DST protein (p.Glu1981Gly). The glutamic acid residue is weakly conserved and there is a moderate physicochemical difference between glutamic acid and glycine.